The following is an entry in ClinVar:

ClinVar aggregate classification (germline): Uncertain significance. Review status: criteria provided, multiple submitters, no conflicts (2 of 4 stars). 2 submissions from 2 submitters: Uncertain significance (2). Last evaluated 2025-06-03.

Conditions:
Familial melanoma. Also called: Hereditary melanoma; Hereditary cutaneous melanoma. Identifiers: Orphanet 618, MedGen C1512419, MONDO:0018961.
Hereditary cancer-predisposing syndrome. Also called: Tumor predisposition; Hereditary neoplastic syndrome; Neoplastic Syndromes, Hereditary; Hereditary Cancer Syndrome. Identifiers: Orphanet 140162, MedGen C0027672, MeSH D009386, MONDO:0015356.

Allele frequency attached by ClinVar (database versions not stated): gnomAD below 0.00001 and 0.00001; gnomAD exomes below 0.00001.
gnomAD v4.1: 9 of 1,614,012 alleles (0.00056%); highest among the groups gnomAD compares: South Asian, 0.0088%; no homozygotes.

Submissions (2):

Labcorp Genetics (formerly Invitae), Labcorp
Classification: Uncertain significance for Familial melanoma. Last evaluated: 2025-06-03. Review status: criteria provided, single submitter. Criteria: Invitae Variant Classification Sherloc (09022015). Collection method: clinical testing. Allele origin: germline.
Comment: This sequence change replaces threonine, which is neutral and polar, with isoleucine, which is neutral and non-polar, at codon 90 of the CDK4 protein (p.Thr90Ile). This variant is not present in population databases (gnomAD no frequency). This variant has not been reported in the literature in individuals affected with CDK4-related conditions. ClinVar contains an entry for this variant (Variation ID: 861114). Invitae Evidence Modeling of protein sequence and biophysical properties (such as structural, functional, and spatial information, amino acid conservation, physicochemical variation, residue mobility, and thermodynamic stability) indicates that this missense variant is not expected to disrupt CDK4 protein function with a negative predictive value of 95%. In summary, the available evidence is currently insufficient to determine the role of this variant in disease. Therefore, it has been classified as a Variant of Uncertain Significance.

Ambry Genetics
Classification: Uncertain significance for Hereditary cancer-predisposing syndrome. Last evaluated: 2024-12-24. Review status: criteria provided, single submitter. Criteria: Ambry Variant Classification Scheme 2023. Collection method: clinical testing. Allele origin: germline.
Comment: The p.T90I variant (also known as c.269C>T), located in coding exon 2 of the CDK4 gene, results from a C to T substitution at nucleotide position 269. The threonine at codon 90 is replaced by isoleucine, an amino acid with similar properties. This amino acid position is well conserved in available vertebrate species. In addition, this alteration is predicted to be deleterious by in silico analysis. Based on the available evidence, the clinical significance of this variant remains unclear.

NM_000075.4(CDK4):c.269C>T (p.Thr90Ile)

Gene: CDK4 (cyclin dependent kinase 4; minus strand). Cytogenetic location: 12q14.1.
Variant type: single nucleotide variant.
Coding change: c.269C>T on transcript NM_000075.4 (MANE Select); coding-DNA position 269, C replaced by T.
Protein change: p.Thr90Ile; replaces threonine 90 with isoleucine.
Molecular consequence: missense variant.
Genome position (GRCh38, 1-based): chr12:57,751,292, G>A on the plus strand (C>T on the coding strand, the complement: CDK4 is on the minus strand). VCF-style: chr12-57751292-G-A. GRCh37 (hg19) VCF-style: chr12-58145075-G-A.
Other names: short protein forms T90I.
Identifiers: ClinVar variation 861114 (VCV000861114.13), dbSNP rs1955234447, ClinGen allele CA385548077.